The following is an entry in ClinVar:

NM_024426.6(WT1):c.7T>G (p.Phe3Val)

Genes: WT1 (WT1 transcription factor; minus strand), LOC107982234 (WT1/WT1-AS bi-directional promoter region; plus strand). Cytogenetic location: 11p13.
Variant type: single nucleotide variant.
Coding change: c.7T>G on transcript NM_024426.6 (MANE Select); coding-DNA position 7, T replaced by G.
Protein change: p.Phe3Val; replaces phenylalanine 3 with valine.
Molecular consequence: missense variant. On other transcripts: non-coding transcript variant (2).
Genome position (GRCh38, 1-based): chr11:32,435,354, A>C on the plus strand (T>G on the coding strand, the complement: WT1 is on the minus strand). VCF-style: chr11-32435354-A-C. GRCh37 (hg19) VCF-style: chr11-32456900-A-C.
Other names: c.-9T>G (NM_024426.4, NM_024425.2); c.7T>G, p.Phe3Val (NM_000378.6, NM_001407044.1, NM_001407045.1 and 6 more transcripts); c.-213T>G (NM_001429031.1, NM_001429032.1, NM_001429033.1 and 1 more transcripts); short protein forms F3V.
Identifiers: ClinVar variation 3073651 (VCV003073651.2), dbSNP rs1853484984, ClinGen allele CA2790963050.

ClinVar aggregate classification (germline): Uncertain significance. Review status: criteria provided, multiple submitters, no conflicts (2 of 4 stars). 2 submissions from 2 submitters: Uncertain significance (2). Last evaluated 2026-02-23.

Conditions:
Wilms tumor 1 (WT1). Also called: Wilms tumor, somatic. Identifiers: Orphanet 654, MedGen CN033288, MONDO:0008679, OMIM 194070.
Inborn genetic diseases. Identifiers: MedGen C0950123, MeSH D030342.

Submissions (2):

Ambry Genetics
Classification: Uncertain significance for Inborn genetic diseases. Last evaluated: 2026-02-23. Review status: criteria provided, single submitter. Criteria: Ambry Variant Classification Scheme 2023. Collection method: clinical testing. Allele origin: germline.
Comment: The c.-9T>G variant is located in the 5' untranslated region (5&rsquo; UTR) of the WT1 gene. This variant results from a T to G substitution 9 bases upstream from the first translated codon. Although this variant falls within the 5'UTR of transcript NM_024426.4, it is a missense variant (c.7T>G, p.Phe3Val) in the MANE Select transcript (NM_024426.6). This nucleotide position is well conserved in available vertebrate species. Based on the available evidence, the clinical significance of this variant remains unclear.

All of Us Research Program, National Institutes of Health
Classification: Uncertain significance for Wilms tumor 1. Last evaluated: 2023-10-02. Review status: criteria provided, single submitter. Criteria: ACMG Guidelines, 2015. Collection method: clinical testing. Allele origin: germline. Inheritance: Autosomal dominant inheritance. Observed: 1 variant allele, 1 heterozygote.
Comment: This variant is located in the 5' untranslated region of the WT1 gene. To our knowledge, functional studies have not been reported for this variant. This variant has not been reported in individuals affected with WT1-related disorders in the literature. This variant has not been identified in the general population by the Genome Aggregation Database (gnomAD). The available evidence is insufficient to determine the role of this variant in disease conclusively. Therefore, this variant is classified as a Variant of Uncertain Significance.

This study involves interpretation of variants in research participants for the purpose of population health screening. Participant phenotype was not available at the time of variant classification. Additional details can be found in publication PMID: 35346344, PMCID: PMC8962531